The following is an entry in ClinVar:

NM_000553.6(WRN):c.1539_1571dup (p.Glu513_Asp523dup)

Gene: WRN (WRN RecQ like helicase; plus strand). Cytogenetic location: 8p12.
Variant type: Duplication.
Coding change: c.1539_1571dup on transcript NM_000553.6 (MANE Select); coding-DNA positions 1539 to 1571, 33 bases duplicated.
Protein change: p.Glu513_Asp523dup.
Molecular consequence: inframe insertion.
Genome position (GRCh38, 1-based): chr8:31,087,883-31,087,915, 33 bases duplicated; duplicating any 33 consecutive bases within chr8:31,087,869-31,087,915 gives the same sequence; the c. name uses the placement nearest the transcript's 3' end. GRCh37 (hg19): chr8:30,945,399-30,945,431.
Identifiers: ClinVar variation 1051382 (VCV001051382.3), dbSNP rs1305909910, ClinGen allele CA580996852.
Genomic context (GRCh38, chr8:31,087,868, plus strand): 5'-ACCAACTCATTCTAAATGCTTAAAAATGGAAAGAAATCTGGGTCTTCCTACTAAAGAAGA[A>AGAAGAAGATGATGAAAATGAAGCTAATGAAGGG]GAAGAAGATGATGAAAATGAAGCTAATGAAGGGGAAGAAGATGATGATAAGGGTAAGCAC-3'

ClinVar aggregate classification (germline): Uncertain significance (1 of 4 stars; one submission).

Conditions:
Werner syndrome (WRN). Identifiers: Orphanet 902, MedGen C0043119, MONDO:0010196, OMIM 277700.

Submission:

Labcorp Genetics (formerly Invitae), Labcorp
Classification: Uncertain significance for Werner syndrome. Last evaluated: 2024-04-22. Review status: criteria provided, single submitter. Criteria: Invitae Variant Classification Sherloc (09022015). Collection method: clinical testing. Allele origin: germline.
Comment: This variant, c.1539_1571dup, results in the insertion of 11 amino acid(s) of the WRN protein (p.Glu513_Asp523dup), but otherwise preserves the integrity of the reading frame. This variant is present in population databases (no rsID available, gnomAD 0.006%). This variant has not been reported in the literature in individuals affected with WRN-related conditions. ClinVar contains an entry for this variant (Variation ID: 1051382). Experimental studies and prediction algorithms are not available or were not evaluated, and the functional significance of this variant is currently unknown. In summary, the available evidence is currently insufficient to determine the role of this variant in disease. Therefore, it has been classified as a Variant of Uncertain Significance.